The following is an entry in ClinVar:

NM_016203.4(PRKAG2):c.1048A>T (p.Arg350Trp)

Gene: PRKAG2 (protein kinase AMP-activated non-catalytic subunit gamma 2; minus strand). Cytogenetic location: 7q36.1.
Variant type: single nucleotide variant.
Coding change: c.1048A>T on transcript NM_016203.4 (MANE Select); coding-DNA position 1048, A replaced by T.
Protein change: p.Arg350Trp; replaces arginine 350 with tryptophan.
Molecular consequence: missense variant.
Genome position (GRCh38, 1-based): chr7:151,572,667, T>A on the plus strand (A>T on the coding strand, the complement: PRKAG2 is on the minus strand). VCF-style: chr7-151572667-T-A. GRCh37 (hg19) VCF-style: chr7-151269753-T-A.
Other names: c.760A>T, p.Arg254Trp (NM_001407030.1); c.757A>T, p.Arg253Trp (NM_001407031.1); c.730A>T, p.Arg244Trp (NM_001407032.1); c.724A>T, p.Arg242Trp (NM_001407033.1); c.325A>T, p.Arg109Trp (NM_001407034.1, NM_001407035.1, NM_024429.2 and 1 more transcripts); c.322A>T, p.Arg108Trp (NM_001407036.1, NM_001407039.1, NM_001407040.1); c.385A>T, p.Arg129Trp (NM_001407037.1); c.373A>T, p.Arg125Trp (NM_001407038.1); and 6 more; short protein forms R108W, R109W, R125W, R129W, R225W, R226W, R242W, R244W.
Identifiers: ClinVar variation 4756486 (VCV004756486.1).

ClinVar aggregate classification (germline): Uncertain significance (1 of 4 stars; one submission).

Conditions:
Cardiomyopathy (CMYO). Also called: Cardiomyopathies. Identifiers: Orphanet 167848, MedGen C0878544, MONDO:0004994, HP:0001638. Inheritance: Various modes of inheritance.

Submission:

Color Diagnostics, LLC DBA Color Health
Classification: Uncertain significance for Cardiomyopathy. Last evaluated: 2025-09-14. Review status: criteria provided, single submitter. Criteria: ACMG Guidelines, 2015. Collection method: clinical testing. Allele origin: germline.
Comment: This missense variant replaces arginine with tryptophan at codon 350 of the PRKAG2 protein. Computational prediction suggests that this variant may have deleterious impact on protein structure and function. To our knowledge, functional studies have not been reported for this variant. This variant has not been reported in individuals affected with PRKAG2-related disorders in the literature. This variant has not been identified in the general population by the Genome Aggregation Database (gnomAD). The available evidence is insufficient to determine the role of this variant in disease conclusively. Therefore, this variant is classified as a Variant of Uncertain Significance.